The following is an entry in ClinVar:

NM_004304.5(ALK):c.787+6T>C

Gene: ALK (ALK receptor tyrosine kinase; minus strand). Cytogenetic location: 2p23.2.
Variant type: single nucleotide variant.
Coding change: c.787+6T>C on transcript NM_004304.5 (MANE Select); 6 bases into the intron after coding-DNA position 787, T replaced by C.
Molecular consequence: intron variant.
Genome position (GRCh38, 1-based): chr2:29,717,572, A>G on the plus strand (T>C on the coding strand, the complement: ALK is on the minus strand). VCF-style: chr2-29717572-A-G. GRCh37 (hg19) VCF-style: chr2-29940438-A-G.
Identifiers: ClinVar variation 642506 (VCV000642506.8), dbSNP rs1558457269, ClinGen allele CA915943762.

ClinVar aggregate classification (germline): Uncertain significance (1 of 4 stars; one submission).

Conditions:
Neuroblastoma, susceptibility to, 3. Also called: ALK-Related Neuroblastic Tumor Susceptibility. Identifiers: Orphanet 635, MedGen C2751681, MONDO:0013083, OMIM 613014.

Allele frequency attached by ClinVar (database versions not stated): gnomAD exomes below 0.00001.
gnomAD v4.1: 1 of 1,613,998 alleles (0.000062%); highest among the groups gnomAD compares: Admixed American, 0.0017%; no homozygotes.

Submission:

Labcorp Genetics (formerly Invitae), Labcorp
Classification: Uncertain significance for Neuroblastoma, susceptibility to, 3. Last evaluated: 2025-01-20. Review status: criteria provided, single submitter. Criteria: Invitae Variant Classification Sherloc (09022015). Collection method: clinical testing. Allele origin: germline.
Comment: This sequence change falls in intron 2 of the ALK gene. It does not directly change the encoded amino acid sequence of the ALK protein. It affects a nucleotide within the consensus splice site. This variant is not present in population databases (gnomAD no frequency). This variant has not been reported in the literature in individuals affected with ALK-related conditions. ClinVar contains an entry for this variant (Variation ID: 642506). Variants that disrupt the consensus splice site are a relatively common cause of aberrant splicing (PMID: 17576681, 9536098). Algorithms developed to predict the effect of sequence changes on RNA splicing suggest that this variant is not likely to affect RNA splicing. In summary, the available evidence is currently insufficient to determine the role of this variant in disease. Therefore, it has been classified as a Variant of Uncertain Significance.

Literature cited by the submitters: PubMed 17576681; PubMed 9536098.